The following is an entry in ClinVar:

NM_033380.3(COL4A5):c.3997G>C (p.Gly1333Arg)

Gene: COL4A5 (collagen type IV alpha 5 chain; plus strand). Cytogenetic location: Xq22.3.
Variant type: single nucleotide variant.
Coding change: c.3997G>C on transcript NM_033380.3 (MANE Select); coding-DNA position 3997, G replaced by C.
Protein change: p.Gly1333Arg; replaces glycine 1333 with arginine.
Molecular consequence: missense variant.
Genome position (GRCh38, 1-based): chrX:108,680,733, G>C. VCF-style: chrX-108680733-G-C. GRCh37 (hg19) VCF-style: chrX-107923963-G-C.
Other names: c.3979G>C, p.Gly1327Arg (NM_000495.5); short protein forms G1327R, G1333R.
Identifiers: ClinVar variation 3383220 (VCV003383220.5).

ClinVar aggregate classification (germline): Likely pathogenic. Review status: criteria provided, multiple submitters, no conflicts (2 of 4 stars). 2 submissions from 2 submitters: Likely pathogenic (2). Last evaluated 2026-06-01.

Conditions:
X-linked Alport syndrome (ATS1). Also called: NEPHROPATHY AND DEAFNESS, X-LINKED; COL4A5-Related Nephropathy. Identifiers: Orphanet 63, Orphanet 88917, MedGen C4746986, MONDO:0010520, OMIM 301050.

Submissions (2):

CeGaT Center for Human Genetics Tuebingen
Classification: Likely pathogenic. Last evaluated: 2026-06-01. Review status: criteria provided, single submitter. Criteria: CeGaT Center For Human Genetics Tuebingen Variant Classification Criteria Version 2. Collection method: clinical testing. Allele origin: germline. Affected: yes. Observed: 1 variant allele.
Comment: COL4A5: PM1:Strong, PM2, PP3

MVZ Medizinische Genetik Mainz
Classification: Likely pathogenic for X-linked Alport syndrome. Last evaluated: 2024-10-31. Review status: criteria provided, single submitter. Criteria: UK Practice Guidelines For Variant Classification V4 01 2020. Collection method: clinical testing. Allele origin: germline. Inheritance: X-linked dominant inheritance. Affected: yes. Observed: 1 variant allele.
Comment: ACMG Criteria: PM1_STR,PM2_SUP,PP3,PP4